The following is an entry in ClinVar:

NM_001735.3(C5):c.3865-3C>T

Gene: C5 (complement C5; minus strand). Cytogenetic location: 9q33.2.
Variant type: single nucleotide variant.
Coding change: c.3865-3C>T on transcript NM_001735.3 (MANE Select); 3 bases into the intron before coding-DNA position 3865, C replaced by T.
Molecular consequence: intron variant.
Genome position (GRCh38, 1-based): chr9:120,974,934, G>A on the plus strand (C>T on the coding strand, the complement: C5 is on the minus strand). VCF-style: chr9-120974934-G-A. GRCh37 (hg19) VCF-style: chr9-123737212-G-A.
Other names: c.3883-3C>T (NM_001317163.2).
Identifiers: ClinVar variation 2051393 (VCV002051393.3), dbSNP rs1417796985, ClinGen allele CA2580079498.

ClinVar aggregate classification (germline): Uncertain significance (1 of 4 stars; one submission).

Allele frequency attached by ClinVar (database versions not stated): gnomAD exomes below 0.00001.
gnomAD v4.1: 2 of 1,614,148 alleles (0.00012%); highest among the groups gnomAD compares: South Asian, 0.0011%; no homozygotes.

Submission:

Labcorp Genetics (formerly Invitae), Labcorp
Classification: Uncertain significance. Last evaluated: 2022-06-08. Review status: criteria provided, single submitter. Criteria: Invitae Variant Classification Sherloc (09022015). Collection method: clinical testing. Allele origin: germline.
Comment: Variants that disrupt the consensus splice site are a relatively common cause of aberrant splicing (PMID: 17576681, 9536098). Algorithms developed to predict the effect of sequence changes on RNA splicing suggest that this variant is not likely to affect RNA splicing. In summary, the available evidence is currently insufficient to determine the role of this variant in disease. Therefore, it has been classified as a Variant of Uncertain Significance. This variant has not been reported in the literature in individuals affected with C5-related conditions. This variant is not present in population databases (gnomAD no frequency). This sequence change falls in intron 29 of the C5 gene. It does not directly change the encoded amino acid sequence of the C5 protein. It affects a nucleotide within the consensus splice site.

Literature cited by the submitters: PubMed 17576681; PubMed 9536098.